The following is an entry in ClinVar:

ClinVar aggregate classification (germline): Uncertain significance (1 of 4 stars; one submission).

gnomAD v4.1: 1 of 1,614,166 alleles (0.000062%); highest among the groups gnomAD compares: Non-Finnish European, 0.000085%; no homozygotes.

Submission:

GeneDx
Classification: Uncertain significance. Last evaluated: 2025-06-30. Review status: criteria provided, single submitter. Criteria: GeneDx Variant Classification Process June 2021. Collection method: clinical testing. Allele origin: germline. Affected: yes.
Comment: Reported as a de novo variant in an individual with autism in published literature; however, de novo variants in other genes were also identified in this individual and no further clinical information was provided (PMID: 35982160); Not observed at significant frequency in large population cohorts (gnomAD); In silico analysis supports that this missense variant has a deleterious effect on protein structure/function; This variant is associated with the following publications: (PMID: 35982159, 35982160)

NM_001242896.3(DEPDC5):c.1832C>T (p.Thr611Met)

Gene: DEPDC5 (DEP domain containing 5, GATOR1 subcomplex subunit; plus strand). Cytogenetic location: 22q12.3.
Variant type: single nucleotide variant.
Coding change: c.1832C>T on transcript NM_001242896.3 (MANE Select); coding-DNA position 1832, C replaced by T.
Protein change: p.Thr611Met; replaces threonine 611 with methionine.
Molecular consequence: missense variant. On other transcripts: non-coding transcript variant (5).
Genome position (GRCh38, 1-based): chr22:31,819,187, C>T. VCF-style: chr22-31819187-C-T. GRCh37 (hg19) VCF-style: chr22-32215173-C-T.
Other names: c.1832C>T, p.Thr611Met (NM_001136029.4, NM_001242897.2, NM_001363852.2 and 6 more transcripts); c.1748C>T, p.Thr583Met (NM_001369901.1, NM_001369902.1); short protein forms T583M, T611M.
Identifiers: ClinVar variation 4680907 (VCV004680907.1).